The following is an entry in ClinVar:

NM_014874.4(MFN2):c.691T>C (p.Ser231Pro)

Gene: MFN2 (mitofusin 2; plus strand). Cytogenetic location: 1p36.22.
Variant type: single nucleotide variant.
Coding change: c.691T>C on transcript NM_014874.4 (MANE Select); coding-DNA position 691, T replaced by C.
Protein change: p.Ser231Pro; replaces serine 231 with proline.
Molecular consequence: missense variant.
Genome position (GRCh38, 1-based): chr1:11,998,861, T>C. VCF-style: chr1-11998861-T-C. GRCh37 (hg19) VCF-style: chr1-12058918-T-C.
Other names: c.691T>C, p.Ser231Pro (NM_001127660.2); short protein forms S231P.
Identifiers: ClinVar variation 3376755 (VCV003376755.1).

ClinVar aggregate classification (germline): Likely pathogenic (1 of 4 stars; one submission).

Conditions:
Charcot-Marie-Tooth disease type 2A2. Also called: CHARCOT-MARIE-TOOTH DISEASE, AXONAL, TYPE 2A2; HEREDITARY MOTOR AND SENSORY NEUROPATHY IIA2; HMSN IIA2; Charcot-Marie-Tooth Neuropathy Type 2A2; CHARCOT-MARIE-TOOTH DISEASE, AXONAL, AUTOSOMAL DOMINANT, TYPE 2A2A; CHARCOT-MARIE-TOOTH DISEASE, NEURONAL, TYPE 2A2. Identifiers: Orphanet 99947, MedGen C4721887, MONDO:0012231, OMIM 609260.

Submission:

Victorian Clinical Genetics Services, Murdoch Childrens Research Institute
Classification: Likely pathogenic for Charcot-Marie-Tooth disease type 2A2. Last evaluated: 2023-07-17. Review status: criteria provided, single submitter. Criteria: ACMG Guidelines, 2015. Collection method: clinical testing. Allele origin: germline. Inheritance: Autosomal dominant inheritance. Affected: yes.
Comment: Based on the classification scheme VCGS_Germline_v1.3.4, this variant is classified as Likely pathogenic. Following criteria are met: 0102 - Loss of function is a known mechanism of disease in this gene and is associated with type 2A2A axonal Charcot-Marie-Tooth disease (MIM#609260), type 2A2B axonal Charcot-Marie-Tooth disease (MIM#617087) and hereditary motor and sensory neuropathy VIA (MIM#601152). (I) 0108 - This gene is associated with both recessive and dominant disease. The associated diseases are predominantly monoallelic, however biallelic variants have also been reported in early-onset severe cases (OMIM). (I) 0112 - The condition associated with this gene has incomplete penetrance. Monoallelic variants in early-onset cases have been reported to be inherited from unaffected parents (OMIM, PMID: 26686600). (I) 0115 - Variants in this gene are known to have variable expressivity. Pathogenic variants have been shown to result in different phenotypic spectrums within members of the same family (OMIM). (I) 0200 - Variant is predicted to result in a missense amino acid change from serine to proline. (I) 0251 - This variant is heterozygous. (I) 0301 - Variant is absent from gnomAD (both v2 and v3). (SP) 0501 - Missense variant consistently predicted to be damaging by multiple in silico tools or highly conserved with a major amino acid change. (SP) 0603 - Missense variant in a region that is highly intolerant to missense variation (high constraint region in DECIPHER). (SP) 0702 - Other missense variants comparable to the one identified in this case have strong previous evidence for pathogenicity. Three alternative amino acid changes have been classified as likely pathogenic or pathogenic in ClinVar, or observed in an individual with CMT in the literature (PMIDs: 24444136, 24053775). (SP) 0807 - This variant has no previous evidence of pathogenicity. (I) 0905 - No published segregation evidence has been identified for this variant. (I) 1007 - No published functional evidence has been identified for this variant. (I) 1208 - Inheritance information for this variant is not currently available in this individual. (I) Legend: (SP) - Supporting pathogenic, (I) - Information, (SB) - Supporting benign

Literature cited by the submitters: PubMed 24053775; PubMed 24444136; PubMed 26686600.